The following is an entry in ClinVar:

ClinVar aggregate classification (germline): Uncertain significance (0 of 4 stars; one submission).

Conditions:
SOX9-related disorder. Also called: SOX9-related condition.

Submission:

PreventionGenetics, part of Exact Sciences
Classification: Uncertain significance for SOX9-related condition. Last evaluated: 2024-08-16. Review status: no assertion criteria provided. Collection method: clinical testing. Allele origin: germline.
Comment: The SOX9 c.345G>C variant is predicted to result in the amino acid substitution p.Trp115Cys. To our knowledge, this variant has not been reported in the literature or in a large population database, indicating this variant is rare. At this time, the clinical significance of this variant is uncertain due to the absence of conclusive functional and genetic evidence.

NM_000346.4(SOX9):c.345G>C (p.Trp115Cys)

Genes: SOX9 (SRY-box transcription factor 9; plus strand), LOC108021846 (SOX9 promoter region; plus strand). Cytogenetic location: 17q24.3.
Variant type: single nucleotide variant.
Coding change: c.345G>C on transcript NM_000346.4 (MANE Select); coding-DNA position 345, G replaced by C.
Protein change: p.Trp115Cys; replaces tryptophan 115 with cysteine.
Molecular consequence: missense variant.
Genome position (GRCh38, 1-based): chr17:72,121,736, G>C. VCF-style: chr17-72121736-G-C. GRCh37 (hg19) VCF-style: chr17-70117877-G-C.
Other names: short protein forms W115C.
Identifiers: ClinVar variation 3347764 (VCV003347764.1).